The following is an entry in ClinVar:

ClinVar aggregate classification (germline): Uncertain significance. Review status: criteria provided, multiple submitters, no conflicts (2 of 4 stars). 2 submissions from 2 submitters: Uncertain significance (2). Last evaluated 2026-01-12.

Conditions:
Inborn genetic diseases. Identifiers: MedGen C0950123, MeSH D030342.

Allele frequency attached by ClinVar (database versions not stated): gnomAD exomes below 0.00001; ExAC 0.00001; gnomAD 0.00002; TOPMed 0.00002.
gnomAD v4.1: 4 of 1,614,018 alleles (0.00025%); highest among the groups gnomAD compares: Non-Finnish European, 0.00034%; no homozygotes.

Submissions (2):

Labcorp Genetics (formerly Invitae), Labcorp
Classification: Uncertain significance. Last evaluated: 2026-01-12. Review status: criteria provided, single submitter. Criteria: Invitae Variant Classification Sherloc (09022015). Collection method: clinical testing. Allele origin: germline.
Comment: This sequence change replaces aspartic acid, which is acidic and polar, with asparagine, which is neutral and polar, at codon 1684 of the LTBP2 protein (p.Asp1684Asn). This variant is present in population databases (rs751365554, gnomAD 0.002%). This variant has not been reported in the literature in individuals affected with LTBP2-related conditions. ClinVar contains an entry for this variant (Variation ID: 2384835). An algorithm developed to predict the effect of missense changes on protein structure and function (PolyPhen-2) suggests that this variant is likely to be disruptive. In summary, the available evidence is currently insufficient to determine the role of this variant in disease. Therefore, it has been classified as a Variant of Uncertain Significance.

Ambry Genetics
Classification: Uncertain significance for Inborn genetic diseases. Last evaluated: 2022-08-17. Review status: criteria provided, single submitter. Criteria: Ambry Variant Classification Scheme 2023. Collection method: clinical testing. Allele origin: germline.

NM_000428.3(LTBP2):c.5050G>A (p.Asp1684Asn)

Gene: LTBP2 (latent transforming growth factor beta binding protein 2; minus strand). Cytogenetic location: 14q24.3.
Variant type: single nucleotide variant.
Coding change: c.5050G>A on transcript NM_000428.3 (MANE Select); coding-DNA position 5050, G replaced by A.
Protein change: p.Asp1684Asn; replaces aspartic acid 1684 with asparagine.
Molecular consequence: missense variant.
Genome position (GRCh38, 1-based): chr14:74,502,773, C>T on the plus strand (G>A on the coding strand, the complement: LTBP2 is on the minus strand). VCF-style: chr14-74502773-C-T. GRCh37 (hg19) VCF-style: chr14-74969476-C-T.
Other names: short protein forms D1684N.
Identifiers: ClinVar variation 2384835 (VCV002384835.3), dbSNP rs751365554, ClinGen allele CA7268545.
Genomic context (GRCh38, chr14:74,502,773, plus strand): 5'-TGGGTGTGCGGTCCGCTGAGTGACCGGCTGTGTTGGGGAAGGCAGGCTCAGGGACGGTGT[C>T]CTCGGGGCCCAGGTAGTTGTAGAAGGGGGCCCCATCTGGGCCATAGATGCTGTAGTGCAG-3'
Protein context (NP_000419.1, residues 1674-1694): APFYNYLGPE[Asp1684Asn]TVPEPAFPNT